The following is an entry in ClinVar:

NM_001003800.2(BICD2):c.2231C>T (p.Ser744Phe)

Gene: BICD2 (BICD cargo adaptor 2; minus strand). Cytogenetic location: 9q22.31.
Variant type: single nucleotide variant.
Coding change: c.2231C>T on transcript NM_001003800.2 (MANE Select); coding-DNA position 2231, C replaced by T.
Protein change: p.Ser744Phe; replaces serine 744 with phenylalanine.
Molecular consequence: missense variant.
Genome position (GRCh38, 1-based): chr9:92,717,824, G>A on the plus strand (C>T on the coding strand, the complement: BICD2 is on the minus strand). VCF-style: chr9-92717824-G-A. GRCh37 (hg19) VCF-style: chr9-95480106-G-A.
Other names: c.2231C>T, p.Ser744Phe (NM_015250.4); short protein forms S744F.
Identifiers: ClinVar variation 419443 (VCV000419443.5), dbSNP rs1064793875, ClinGen allele CA16618867.

ClinVar aggregate classification (germline): Conflicting classifications of pathogenicity. Review status: criteria provided, conflicting classifications (1 of 4 stars). 2 submissions from 2 submitters: Pathogenic (1); Uncertain significance (1). Last evaluated 2025-10-13.

Submissions (2):

GeneDx
Classification: Pathogenic. Last evaluated: 2025-10-13. Review status: criteria provided, single submitter. Criteria: GeneDx Variant Classification Process June 2021. Collection method: clinical testing. Allele origin: germline. Affected: yes.
Comment: Not observed at significant frequency in large population cohorts (gnomAD); In silico analysis supports that this missense variant has a deleterious effect on protein structure/function; This variant is associated with the following publications: (PMID: 33057194, 35982159, 30054298, 33820833)

Blueprint Genetics
Classification: Uncertain significance. Last evaluated: 2019-12-17. Review status: criteria provided, single submitter. Criteria: ACMG Guidelines, 2015. Collection method: clinical testing. Allele origin: germline.